The following is an entry in ClinVar:

ClinVar aggregate classification (germline): Likely pathogenic (1 of 4 stars; one submission).

Conditions:
Rare genetic deafness. Identifiers: Orphanet 96210, MedGen C5680250.

Submission:

Laboratory for Molecular Medicine, Mass General Brigham Personalized Medicine
Classification: Likely pathogenic for Rare genetic deafness. Last evaluated: 2017-06-09. Review status: criteria provided, single submitter. Criteria: LMM Criteria. Collection method: clinical testing. Allele origin: germline. Inheritance: Autosomal dominant inheritance. Observed: 1 variant allele.
Comment: The p.Val558ThrfsX3 (NM_004700.3 c.1671_1672insACGAC) variant in KCNQ4 has not b een previously reported in individuals with hearing loss and is absent from larg e population studies. This variant is predicted to cause a frameshift, which alt ers the protein?s amino acid sequence beginning at position 558 and leads to a p remature termination codon 3 amino acids downstream. This alteration is then pre dicted to lead to a truncated or absent protein. Heterozygous loss of function o f the KCNQ4 gene is an established disease mechanism in hearing loss. In summary , although additional studies are required to fully establish its clinical signi ficance, the p.Val558ThrfsX3 variant is likely pathogenic.

NM_004700.4(KCNQ4):c.1667_1671dup (p.Val558fs)

Gene: KCNQ4 (potassium voltage-gated channel subfamily Q member 4; plus strand). Cytogenetic location: 1p34.2.
Variant type: Duplication.
Coding change: c.1667_1671dup on transcript NM_004700.4 (MANE Select); coding-DNA positions 1667 to 1671, 5 bases duplicated (ACGAC; older notation c.1667_1671dupACGAC).
Protein change: p.Val558fs; shifts the reading frame from valine 558.
Molecular consequence: frameshift variant.
Genome position (GRCh38, 1-based): chr1:40,835,020-40,835,024, ACGAC duplicated. VCF-style (leftmost placement, unchanged base first): chr1-40835019-T-TACGAC. GRCh37 (hg19) VCF-style: chr1-41300691-T-TACGAC.
Other names: c.1505_1509dup, p.Val504fs (NM_172163.3); short protein forms V558fs, V504fs.
Identifiers: ClinVar variation 505873 (VCV000505873.4), dbSNP rs1553168601, ClinGen allele CA658795428.